The following is an entry in ClinVar:

NC_000011.9:g.(?_116691583)_(116708103_?)del

Genes: APOA1 (apolipoprotein A1; minus strand), APOA4 (apolipoprotein A4; minus strand), APOC3 (apolipoprotein C3; plus strand). Cytogenetic location: 11q23.3.
Variant type: Deletion.
Identifiers: ClinVar variation 3244706 (VCV003244706.1).

ClinVar aggregate classification (germline): Pathogenic (1 of 4 stars; one submission).

Submission:

Labcorp Genetics (formerly Invitae), Labcorp
Classification: Pathogenic. Last evaluated: 2024-01-25. Review status: criteria provided, single submitter. Criteria: Invitae Variant Classification Sherloc (09022015). Collection method: clinical testing. Allele origin: unknown.
Comment: A gross deletion of the genomic region encompassing the full coding sequence of the APOA1 gene has been identified. Loss-of-function variants in APOA1 are known to be pathogenic (PMID: 7583566, 7981179, 8282791). The boundaries of this event are unknown as they extend beyond the assayed region for this gene and therefore may encompass additional genes. This variant has not been reported in the literature in individuals affected with APOA1-related conditions. For these reasons, this variant has been classified as Pathogenic.

Literature cited by the submitters: PubMed 7583566; PubMed 7981179; PubMed 8282791.